The following is an entry in ClinVar:

ClinVar aggregate classification (germline): Uncertain significance. Review status: criteria provided, multiple submitters, no conflicts (2 of 4 stars). 3 submissions from 3 submitters: Uncertain significance (3). Last evaluated 2025-12-19.

Conditions:
Hereditary cancer-predisposing syndrome. Also called: Hereditary Cancer Syndrome; Hereditary neoplastic syndrome; Neoplastic Syndromes, Hereditary; Tumor predisposition. Identifiers: Orphanet 140162, MedGen C0027672, MeSH D009386, MONDO:0015356.
Oligodontia-cancer predisposition syndrome. Also called: TOOTH AGENESIS-COLORECTAL CANCER SYNDROME. Identifiers: Orphanet 300576, MedGen C1837750, MONDO:0012075, OMIM 608615. Disease mechanism: loss of function.

Allele frequency attached by ClinVar (database versions not stated): gnomAD exomes below 0.00001.
gnomAD v4.1: 3 of 1,614,124 alleles (0.00019%); highest among the groups gnomAD compares: Non-Finnish European, 0.00025%; no homozygotes.

Submissions (3):

Labcorp Genetics (formerly Invitae), Labcorp
Classification: Uncertain significance for Oligodontia-cancer predisposition syndrome. Last evaluated: 2025-12-19. Review status: criteria provided, single submitter. Criteria: Invitae Variant Classification Sherloc (09022015). Collection method: clinical testing. Allele origin: germline.
Comment: This sequence change replaces arginine, which is basic and polar, with cysteine, which is neutral and slightly polar, at codon 339 of the AXIN2 protein (p.Arg339Cys). This variant is not present in population databases (gnomAD no frequency). This variant has not been reported in the literature in individuals affected with AXIN2-related conditions. ClinVar contains an entry for this variant (Variation ID: 408857). Invitae Evidence Modeling of protein sequence and biophysical properties (such as structural, functional, and spatial information, amino acid conservation, physicochemical variation, residue mobility, and thermodynamic stability) indicates that this missense variant is expected to disrupt AXIN2 protein function with a positive predictive value of 80%. In summary, the available evidence is currently insufficient to determine the role of this variant in disease. Therefore, it has been classified as a Variant of Uncertain Significance.

Ambry Genetics
Classification: Uncertain significance for Hereditary cancer-predisposing syndrome. Last evaluated: 2025-09-10. Review status: criteria provided, single submitter. Criteria: Ambry Variant Classification Scheme 2023. Collection method: clinical testing. Allele origin: germline.
Comment: The p.R339C variant (also known as c.1015C>T), located in coding exon 3 of the AXIN2 gene, results from a C to T substitution at nucleotide position 1015. The arginine at codon 339 is replaced by cysteine, an amino acid with highly dissimilar properties. This amino acid position is highly conserved in available vertebrate species. In addition, this alteration is predicted to be deleterious by in silico analysis. Since supporting evidence is limited at this time, the clinical significance of this alteration remains unclear.

GeneDx
Classification: Uncertain significance. Last evaluated: 2017-03-15. Review status: criteria provided, single submitter. Criteria: GeneDx Variant Classification (06012015). Collection method: clinical testing. Allele origin: germline. Affected: yes.
Comment: This variant is denoted AXIN2 c.1015C>T at the cDNA level, p.Arg339Cys (R339C) at the protein level, and results in the change of an Arginine to a Cysteine (CGC>TGC). This variant has not, to our knowledge, been published in the literature as pathogenic or benign. AXIN2 Arg339Cys was not observed in large population cohorts (NHLBI Exome Sequencing Project, The 1000 Genomes Consortium 2015, Lek 2016). Since Arginine and Cysteine differ in polarity, charge, size or other properties, this is considered a non-conservative amino acid substitution. AXIN2 Arg339Cys occurs at a position that is conserved across species and is located in the GSK3-beta binding domain (Salahshor 2005). In silico analyses predict that this variant is probably damaging to protein structure and function. Based on currently available evidence, it is unclear whether AXIN2 Arg339Cys is a pathogenic or benign variant. We consider it to be a variant of uncertain significance.

NM_004655.4(AXIN2):c.1015C>T (p.Arg339Cys)

Gene: AXIN2 (axin 2; minus strand). Cytogenetic location: 17q24.1.
Variant type: single nucleotide variant.
Coding change: c.1015C>T on transcript NM_004655.4 (MANE Select); coding-DNA position 1015, C replaced by T.
Protein change: p.Arg339Cys; replaces arginine 339 with cysteine.
Molecular consequence: missense variant.
Genome position (GRCh38, 1-based): chr17:65,541,499, G>A on the plus strand (C>T on the coding strand, the complement: AXIN2 is on the minus strand). VCF-style: chr17-65541499-G-A. GRCh37 (hg19) VCF-style: chr17-63537617-G-A.
Other names: c.1015C>T (LRG_296t1); c.1015C>T, p.Arg339Cys (NM_001363813.1); short protein forms R339C.
Identifiers: ClinVar variation 408857 (VCV000408857.17), dbSNP rs1060502160, ClinGen allele CA16615603.